The following is an entry in ClinVar:

ClinVar aggregate classification (germline): Uncertain significance. Review status: criteria provided, multiple submitters, no conflicts (2 of 4 stars). 2 submissions from 2 submitters: Uncertain significance (2). Last evaluated 2025-10-10.

Conditions:
Hereditary cancer-predisposing syndrome. Also called: Hereditary neoplastic syndrome; Neoplastic Syndromes, Hereditary; Hereditary Cancer Syndrome; Tumor predisposition. Identifiers: Orphanet 140162, MedGen C0027672, MeSH D009386, MONDO:0015356.

Submissions (2):

Ambry Genetics
Classification: Uncertain significance for Hereditary cancer-predisposing syndrome. Last evaluated: 2025-10-10. Review status: criteria provided, single submitter. Criteria: Ambry Variant Classification Scheme 2023. Collection method: clinical testing. Allele origin: germline.
Comment: The c.511_529del19insC variant (also know as p.T171_Y177delinsH), located in coding exon 3 of the NTHL1 gene, results from an in-frame deletion of 19 nucleotides (ACGCTGGGCAAGCTCATCT) and insertion of C at nucleotide positions 511 to 529. This results in the deletion of 7 amino acids (TLGKLIY) and the insertion of a histidine residue at codons 171 to 177. This amino acid region is conserved in available vertebrate species. Since supporting evidence is limited at this time, the clinical significance of this alteration remains unclear.

Labcorp Genetics (formerly Invitae), Labcorp
Classification: Uncertain significance. Last evaluated: 2025-08-30. Review status: criteria provided, single submitter. Criteria: Invitae Variant Classification Sherloc (09022015). Collection method: clinical testing. Allele origin: germline.
Comment: This variant, c.511_529delinsC , is a complex sequence change that results in the deletion of 7 and insertion of 1 amino acid(s) in the NTHL1 protein (p.Thr171_Tyr177delinsHis). Information on the frequency of this variant in the gnomAD database is not available, as this variant may be reported differently in the database. This variant has not been reported in the literature in individuals affected with NTHL1-related conditions. Experimental studies and prediction algorithms are not available or were not evaluated, and the functional significance of this variant is currently unknown. In summary, the available evidence is currently insufficient to determine the role of this variant in disease. Therefore, it has been classified as a Variant of Uncertain Significance.

NM_002528.7(NTHL1):c.487_505delinsC (p.Thr163_Tyr169delinsHis)

Gene: NTHL1 (nth like DNA glycosylase 1; minus strand). Cytogenetic location: 16p13.3.
Variant type: Indel.
Coding change: c.487_505delinsC on transcript NM_002528.7 (MANE Select); coding-DNA positions 487 to 505, ACGCTGGGCAAGCTCATCT replaced by C.
Protein change: p.Thr163_Tyr169delinsHis.
Molecular consequence: inframe indel. On other transcripts: intron variant (1).
Genome position (GRCh38, 1-based): chr16:2,044,650-2,044,668, AGATGAGCTTGCCCAGCGT replaced by G on the plus strand (ACGCTGGGCAAGCTCATCT replaced by C on the coding strand, the reverse complement: NTHL1 is on the minus strand). VCF-style: chr16-2044650-AGATGAGCTTGCCCAGCGT-G. GRCh37 (hg19) VCF-style: chr16-2094651-AGATGAGCTTGCCCAGCGT-G.
Other names: c.157_175delinsC, p.Thr53_Tyr59delinsHis (NM_001318194.2); c.355-942_355-924delinsC (NM_001318193.2).
Identifiers: ClinVar variation 967768 (VCV000967768.9), dbSNP rs2084316527, ClinGen allele CA1139664236.
Genomic context (GRCh38, chr16:2,044,650, plus strand): 5'-CCACTGCCACCCGGCCCCCGTTGCCACAGGCAGGGCTCACCCTCCAGAAACCGACGGGGT[AGATGAGCTTGCCCAGCGT>G]GGCATCATCTGTCTGCAGGATGCTGTCCACCGTCAGGCCCCGCGCCCGCAGTCGCTGCAT-3'